The following is an entry in ClinVar:

ClinVar aggregate classification (germline): Likely benign. Review status: criteria provided, multiple submitters, no conflicts (2 of 4 stars). 2 submissions from 2 submitters: Likely benign (2). Last evaluated 2025-09-01.

Allele frequency attached by ClinVar (database versions not stated): gnomAD exomes 0.00001 and 0.00003; TOPMed 0.00003; ExAC 0.00005.

Submissions (2):

CeGaT Center for Human Genetics Tuebingen
Classification: Likely benign. Last evaluated: 2025-09-01. Review status: criteria provided, single submitter. Criteria: CeGaT Center For Human Genetics Tuebingen Variant Classification Criteria Version 2. Collection method: clinical testing. Allele origin: germline. Affected: yes. Observed: 1 variant allele.
Comment: TRAPPC2: BP4, BP7

Labcorp Genetics (formerly Invitae), Labcorp
Classification: Likely benign. Last evaluated: 2024-05-25. Review status: criteria provided, single submitter. Criteria: Invitae Variant Classification Sherloc (09022015). Collection method: clinical testing. Allele origin: germline.

NM_001011658.4(TRAPPC2):c.327T>C (p.Phe109=)

Gene: TRAPPC2 (trafficking protein particle complex subunit 2; minus strand). Cytogenetic location: Xp22.2.
Variant type: single nucleotide variant.
Coding change: c.327T>C on transcript NM_001011658.4 (MANE Select); coding-DNA position 327, T replaced by C.
Protein change: p.Phe109=; no amino-acid change (phenylalanine 109 retained).
Molecular consequence: synonymous variant.
Genome position (GRCh38, 1-based): chrX:13,714,503, A>G on the plus strand (T>C on the coding strand, the complement: TRAPPC2 is on the minus strand). VCF-style: chrX-13714503-A-G. GRCh37 (hg19) VCF-style: chrX-13732622-A-G.
Other names: c.429T>C, p.Phe143= (NM_001128835.3); c.327T>C, p.Phe109= (NM_014563.6).
Identifiers: ClinVar variation 746280 (VCV000746280.15), dbSNP rs766525300, ClinGen allele CA10351398.